The following is an entry in ClinVar:

ClinVar aggregate classification (germline): Likely pathogenic (1 of 4 stars; one submission).

Conditions:
Fabry disease. Also called: ALPHA-GALACTOSIDASE A DEFICIENCY; ANDERSON-FABRY DISEASE; CERAMIDE TRIHEXOSIDASE DEFICIENCY; GLA DEFICIENCY; HEREDITARY DYSTOPIC LIPIDOSIS; Angiokeratoma corporis diffusum. Identifiers: Orphanet 324, MedGen C0002986, MONDO:0010526, OMIM 301500, HP:0001071. Disease mechanism: Fabry disease is due to inactivating mutations in the X-linked GLA gene resulting in deficiency of the enzyme Alpha Galactosidase-A., loss of function.

Submission:

Genomenon, Inc
Classification: Likely pathogenic for Fabry disease. Last evaluated: 2026-09-08. Review status: criteria provided, single submitter. Criteria: Genomenon Sequence Variant Interpretation Standards - Updated. Collection method: curation. Allele origin: germline. Affected: yes.
Comment: GLA p.Leu403Ser (c.1208T>C) is a missense variant that changes the amino acid at codon 403 from Leucine to Serine. This variant has been observed in at least one proband with clinical features consistent with Fabry disease (PMID:29543226;28593486;18205205;27834756;27657681;26083343;30988410;31372342). The variant was found to segregate with disease in at least one affected family (PMID:18205205). Functional or patient cell studies have been reported (PMID:29543226;18205205;31036492;28593486;31956509;34205365;27657681;31372342). It is absent or not present at a significant frequency in gnomAD. In silico models predict that this variant is possibly or probably damaging. In conclusion, we classify GLA p.Leu403Ser (c.1208T>C) as a likely pathogenic variant.

Literature cited by the submitters: PubMed 29543226; PubMed 28593486; PubMed 18205205; PubMed 27834756; PubMed 27657681; PubMed 26083343; PubMed 30988410; PubMed 31372342; PubMed 31036492; PubMed 31956509; PubMed 34205365.

NM_000169.3(GLA):c.1208T>C (p.Leu403Ser)

Genes: GLA (galactosidase alpha; minus strand), RPL36A-HNRNPH2 (RPL36A-HNRNPH2 readthrough; plus strand). Cytogenetic location: Xq22.1.
Variant type: single nucleotide variant.
Coding change: c.1208T>C on transcript NM_000169.3 (MANE Select); coding-DNA position 1208, T replaced by C.
Protein change: p.Leu403Ser; replaces leucine 403 with serine.
Molecular consequence: missense variant. On other transcripts: non-coding transcript variant (3), intron variant (2).
Genome position (GRCh38, 1-based): chrX:101,397,891, A>G on the plus strand (T>C on the coding strand, the complement: GLA is on the minus strand). VCF-style: chrX-101397891-A-G. GRCh37 (hg19) VCF-style: chrX-100652879-A-G.
Other names: c.1331T>C, p.Leu444Ser (NM_001406747.1); c.300+2434A>G (NM_001199973.2); c.177+6069A>G (NM_001199974.2); short protein forms L403S, L444S.
Identifiers: ClinVar variation 4087657 (VCV004087657.2).
Genomic context (GRCh38, chrX:101,397,891, plus strand): 5'-ATCTGCATTGTATTTTCTAGCTGAAGCAAAACAGTGCCTGTGGGATTTATGTGACTTCTT[A>G]ACCTTGAAGTCCATTCATAGAACCCTAGCTTCCTTTTCACAGGGAGGAGCTGTGTGATGA-3'
Protein context (NP_000160.1, residues 393-413): KLGFYEWTSR[Leu403Ser]RSHINPTGTV